The following is an entry in ClinVar:

NM_000180.4(GUCY2D):c.2207T>C (p.Met736Thr)

Gene: GUCY2D (guanylate cyclase 2D, retinal; plus strand). Cytogenetic location: 17p13.1.
Variant type: single nucleotide variant.
Coding change: c.2207T>C on transcript NM_000180.4 (MANE Select); coding-DNA position 2207, T replaced by C.
Protein change: p.Met736Thr; replaces methionine 736 with threonine.
Molecular consequence: missense variant.
Genome position (GRCh38, 1-based): chr17:8,013,196, T>C. VCF-style: chr17-8013196-T-C. GRCh37 (hg19) VCF-style: chr17-7916514-T-C.
Other names: c.2207T>C (NM_000180.3); short protein forms M736T.
Identifiers: ClinVar variation 2043979 (VCV002043979.5), dbSNP rs756693094, ClinGen allele CA8366043.

ClinVar aggregate classification (germline): Uncertain significance. Review status: criteria provided, multiple submitters, no conflicts (2 of 4 stars). 3 submissions from 3 submitters: Uncertain significance (3). Last evaluated 2025-11-27.

Conditions:
Inborn genetic diseases. Identifiers: MedGen C0950123, MeSH D030342.
Leber congenital amaurosis 1 (LCA1). Also called: Congenital absence of the rods and cones; Leber's congenital tapetoretinal degeneration; Leber's congenital tapetoretinal dysplasia; RETINAL BLINDNESS, CONGENITAL; AMAUROSIS CONGENITA OF LEBER I. Identifiers: Orphanet 65, MedGen C2931258, MONDO:0008764, OMIM 204000.
Cone-rod dystrophy 6 (CORD6). Also called: RETINAL CONE DYSTROPHY 2; Cone dystrophy progressive. Identifiers: Orphanet 1872, MedGen C1866293, MONDO:0011143, OMIM 601777.

Allele frequency attached by ClinVar (database versions not stated): ExAC 0.00002; gnomAD exomes 0.00002; gnomAD 0.00003; TOPMed 0.00005.
gnomAD v4.1: 16 of 1,614,062 alleles (0.00099%); highest among the groups gnomAD compares: Admixed American, 0.025%; no homozygotes.

Submissions (3):

Labcorp Genetics (formerly Invitae), Labcorp
Classification: Uncertain significance for Leber congenital amaurosis 1; Cone-rod dystrophy 6. Last evaluated: 2025-11-27. Review status: criteria provided, single submitter. Criteria: Invitae Variant Classification Sherloc (09022015). Collection method: clinical testing. Allele origin: germline.
Comment: This sequence change replaces methionine, which is neutral and non-polar, with threonine, which is neutral and polar, at codon 736 of the GUCY2D protein (p.Met736Thr). This variant is present in population databases (rs756693094, gnomAD 0.03%). This missense change has been observed in individual(s) with GUCY2D-related conditions (internal data). ClinVar contains an entry for this variant (Variation ID: 2043979). Invitae Evidence Modeling of protein sequence and biophysical properties (such as structural, functional, and spatial information, amino acid conservation, physicochemical variation, residue mobility, and thermodynamic stability) indicates that this missense variant is not expected to disrupt GUCY2D protein function with a negative predictive value of 80%. In summary, the available evidence is currently insufficient to determine the role of this variant in disease. Therefore, it has been classified as a Variant of Uncertain Significance.

Ambry Genetics
Classification: Uncertain significance for Inborn genetic diseases. Last evaluated: 2025-03-11. Review status: criteria provided, single submitter. Criteria: Ambry Variant Classification Scheme 2023. Collection method: clinical testing. Allele origin: germline.

Blueprint Genetics
Classification: Uncertain significance. Last evaluated: 2021-10-30. Review status: criteria provided, single submitter. Criteria: ACMG Guidelines, 2015. Collection method: clinical testing. Allele origin: germline.